The following is an entry in ClinVar:

NM_001024630.4(RUNX2):c.388T>C (p.Trp130Arg)

Gene: RUNX2 (RUNX family transcription factor 2; plus strand). Cytogenetic location: 6p21.1.
Variant type: single nucleotide variant.
Coding change: c.388T>C on transcript NM_001024630.4 (MANE Select); coding-DNA position 388, T replaced by C.
Protein change: p.Trp130Arg; replaces tryptophan 130 with arginine.
Molecular consequence: missense variant.
Genome position (GRCh38, 1-based): chr6:45,422,922, T>C. VCF-style: chr6-45422922-T-C. GRCh37 (hg19) VCF-style: chr6-45390659-T-C.
Other names: c.388T>C, p.Trp130Arg (NM_001015051.4); c.346T>C, p.Trp116Arg (NM_001278478.2, NM_001369405.1); c.388T>C (NM_001024630.3); short protein forms W116R, W130R.
Identifiers: ClinVar variation 1525147 (VCV001525147.9), dbSNP rs2150362649, ClinGen allele CA363958651.

ClinVar aggregate classification (germline): Pathogenic/Likely pathogenic. Review status: criteria provided, multiple submitters, no conflicts (2 of 4 stars). 2 submissions from 2 submitters: Pathogenic (1); Likely pathogenic (1). Last evaluated 2025-08-08.

Conditions:
RUNX2-related disorder. Also called: RUNX2-related condition.

Submissions (2):

PreventionGenetics, part of Exact Sciences
Classification: Likely pathogenic for RUNX2-related condition. Last evaluated: 2025-08-08. Review status: criteria provided, single submitter. Criteria: ACMG Guidelines, 2015. Collection method: clinical testing. Allele origin: germline.
Comment: The RUNX2 c.388T>C variant is predicted to result in the amino acid substitution p.Trp130Arg. To our knowledge, this specific nucleotide variant has not been reported in the literature or in a large population database, indicating it is rare. At PreventionGenetics, this variant has been observed in multiple individuals with cleidocranial dysplasia (Internal Data). Another nucleotide change at the same position (c.388T>A, p.Trp130Arg) has also been reported in one family with cleidocranial dysplasia (reported as p.Trp116Arg, Gao. 2010. PubMed ID: 20376792). This variant is interpreted as likely pathogenic.

Labcorp Genetics (formerly Invitae), Labcorp
Classification: Pathogenic. Last evaluated: 2023-04-24. Review status: criteria provided, single submitter. Criteria: Invitae Variant Classification Sherloc (09022015). Collection method: clinical testing. Allele origin: germline.
Comment: Advanced modeling of protein sequence and biophysical properties (such as structural, functional, and spatial information, amino acid conservation, physicochemical variation, residue mobility, and thermodynamic stability) performed at Invitae indicates that this missense variant is expected to disrupt RUNX2 protein function. For these reasons, this variant has been classified as Pathogenic. ClinVar contains an entry for this variant (Variation ID: 1525147). This variant is also known as c.346T>A (p.Trp116Arg). This missense change has been observed in individual(s) with clinical features of cleidocranial dysplasia (PMID: 20376792; Invitae). In at least one individual the variant was observed to be de novo. This variant is not present in population databases (gnomAD no frequency). This sequence change replaces tryptophan, which is neutral and slightly polar, with arginine, which is basic and polar, at codon 130 of the RUNX2 protein (p.Trp130Arg).

Literature cited by the submitters: PubMed 20376792 (cited by Labcorp Genetics (formerly Invitae), Labcorp).